The following is an entry in ClinVar:

NM_031885.5(BBS2):c.1225+9G>T

Gene: BBS2 (Bardet-Biedl syndrome 2; minus strand). Cytogenetic location: 16q13.
Variant type: single nucleotide variant.
Coding change: c.1225+9G>T on transcript NM_031885.5 (MANE Select); 9 bases into the intron after coding-DNA position 1225, G replaced by T.
Molecular consequence: intron variant.
Genome position (GRCh38, 1-based): chr16:56,501,344, C>A on the plus strand (G>T on the coding strand, the complement: BBS2 is on the minus strand). VCF-style: chr16-56501344-C-A. GRCh37 (hg19) VCF-style: chr16-56535256-C-A.
Other names: c.1225+9G>T (NM_001377456.1).
Identifiers: ClinVar variation 4996951 (VCV004996951.1).
Genomic context (GRCh38, chr16:56,501,344, plus strand): 5'-AAAAAAAAAAAAGAATGACTCCAAGATGGCACAGGTGCCTCTAAATACCAGCTGTGAGTA[C>A]TGTCTTACCATTAGAAGTGGAAATGCGTAATTCTGTATGAGCAGTTTGGGTCTCATTCCC-3'

ClinVar aggregate classification (germline): Likely benign (1 of 4 stars; one submission).

Conditions:
BBS2-related disorder. Also called: BBS2-related disorders; BBS2-related condition. Identifiers: MedGen CN239228.

gnomAD v4.1: 2 of 1,613,442 alleles (0.00012%); highest among the groups gnomAD compares: African/African-American, 0.0013%; no homozygotes.

Submission:

PreventionGenetics, part of Exact Sciences
Classification: Likely benign for BBS2-related condition. Last evaluated: 2025-05-28. Review status: criteria provided, single submitter. Criteria: ACMG Guidelines, 2015. Collection method: clinical testing. Allele origin: germline.
Comment: This variant is classified as likely benign based on ACMG/AMP sequence variant interpretation guidelines (Richards et al. 2015 PMID: 25741868, with internal and published modifications).